The following is an entry in ClinVar:

ClinVar aggregate classification (germline): Uncertain significance. Review status: criteria provided, multiple submitters, no conflicts (2 of 4 stars). 3 submissions from 3 submitters: Uncertain significance (3). Last evaluated 2025-10-27.

Conditions:
Cardiovascular phenotype. Identifiers: MedGen CN230736.
Hypertrophic cardiomyopathy 12. Identifiers: MedGen C2677491, MONDO:0012804, OMIM 612124.
Dilated cardiomyopathy 1M (CMD1M). Identifiers: Orphanet 154, MedGen C1843808, MONDO:0011840, OMIM 607482.

Allele frequency attached by ClinVar (database versions not stated): TOPMed 0.00001; ExAC 0.00001; gnomAD exomes 0.00001 and 0.00002.

Submissions (3):

Ambry Genetics
Classification: Uncertain significance for Cardiovascular phenotype. Last evaluated: 2025-10-27. Review status: criteria provided, single submitter. Criteria: Ambry Variant Classification Scheme 2023. Collection method: clinical testing. Allele origin: germline.
Comment: The p.S95F variant (also known as c.284C>T), located in coding exon 3 of the CSRP3 gene, results from a C to T substitution at nucleotide position 284. The serine at codon 95 is replaced by phenylalanine, an amino acid with highly dissimilar properties. This amino acid position is highly conserved in available vertebrate species. In addition, this alteration is predicted to be tolerated by in silico analysis. Since supporting evidence is limited at this time, the clinical significance of this alteration remains unclear.

Labcorp Genetics (formerly Invitae), Labcorp
Classification: Uncertain significance for Hypertrophic cardiomyopathy 12; Dilated cardiomyopathy 1M. Last evaluated: 2025-07-08. Review status: criteria provided, single submitter. Criteria: Invitae Variant Classification Sherloc (09022015). Collection method: clinical testing. Allele origin: germline.
Comment: This sequence change replaces serine, which is neutral and polar, with phenylalanine, which is neutral and non-polar, at codon 95 of the CSRP3 protein (p.Ser95Phe). This variant is present in population databases (rs767477787, gnomAD 0.01%). This variant has not been reported in the literature in individuals affected with CSRP3-related conditions. ClinVar contains an entry for this variant (Variation ID: 863545). An algorithm developed to predict the effect of missense changes on protein structure and function (PolyPhen-2) suggests that this variant is likely to be disruptive. In summary, the available evidence is currently insufficient to determine the role of this variant in disease. Therefore, it has been classified as a Variant of Uncertain Significance.

Dasa
Classification: Uncertain significance. Last evaluated: 2025-02-07. Review status: criteria provided, single submitter. Criteria: DASA Assertion Criteria. Collection method: clinical testing. Allele origin: germline.
Comment: NM_003476.5(CSRP3):c.284C>T (p.Ser95Phe) is a missense variant that results in the substitution of serine with phenylalanine. This variant is rare in population databases. Computational prediction algorithms are consistent with a benign effect. The currently available literature and clinical evidence are not sufficient to establish a definitive association between this variant and the reported condition. Therefore, this variant is classified as a variant of uncertain significance.

NM_003476.5(CSRP3):c.284C>T (p.Ser95Phe)

Gene: CSRP3 (cysteine and glycine rich protein 3; minus strand). Cytogenetic location: 11p15.1.
Variant type: single nucleotide variant.
Coding change: c.284C>T on transcript NM_003476.5 (MANE Select); coding-DNA position 284, C replaced by T.
Protein change: p.Ser95Phe; replaces serine 95 with phenylalanine.
Molecular consequence: missense variant.
Genome position (GRCh38, 1-based): chr11:19,186,346, G>A on the plus strand (C>T on the coding strand, the complement: CSRP3 is on the minus strand). VCF-style: chr11-19186346-G-A. GRCh37 (hg19) VCF-style: chr11-19207893-G-A.
Other names: c.284C>T (NM_003476.3); c.115C>T, p.Pro39Ser (NM_001369404.1); short protein forms P39S, S95F.
Identifiers: ClinVar variation 863545 (VCV000863545.14), dbSNP rs767477787, ClinGen allele CA5916583.
Genomic context (GRCh38, chr11:19,186,346, plus strand): 5'-CCAAACTTCGCAGTGAATTTGGAAGGGTTGCTGGTGGTAACTGAGCGTGCCGGCTTTGGG[G>A]ACCTGTTGGAAATAGACGAATGAATGAAACGTAGATTTCCCTTGGCAAAGAGTAGAAGAG-3'
Protein context (NP_003467.1, residues 85-105): GEHLGLQFQQ[Ser95Phe]PKPARSVTTS